The following is an entry in ClinVar:

ClinVar aggregate classification (germline): Uncertain significance (1 of 4 stars; one submission).

gnomAD v4.1: 3 of 1,611,264 alleles (0.00019%); highest among the groups gnomAD compares: East Asian, 0.0067%; no homozygotes.

Submission:

Ambry Genetics
Classification: Uncertain significance. Last evaluated: 2025-07-14. Review status: criteria provided, single submitter. Criteria: Ambry Variant Classification Scheme 2023. Collection method: clinical testing. Allele origin: germline.
Comment: The p.K860T variant (also known as c.2579A>C), located in coding exon 11 of the WNK2 gene, results from an A to C substitution at nucleotide position 2579. The lysine at codon 860 is replaced by threonine, an amino acid with similar properties. This amino acid position is conserved. In addition, this alteration is predicted to be tolerated by in silico analysis. Based on the available evidence, the clinical significance of this variant remains unclear.

NM_006648.4(WNK2):c.2579A>C (p.Lys860Thr)

Gene: WNK2 (WNK lysine deficient protein kinase 2; plus strand). Cytogenetic location: 9q22.31.
Variant type: single nucleotide variant.
Coding change: c.2579A>C on transcript NM_006648.4 (MANE Select); coding-DNA position 2579, A replaced by C.
Protein change: p.Lys860Thr; replaces lysine 860 with threonine.
Molecular consequence: missense variant.
Genome position (GRCh38, 1-based): chr9:93,259,127, A>C. VCF-style: chr9-93259127-A-C. GRCh37 (hg19) VCF-style: chr9-96021409-A-C.
Other names: c.2579A>C, p.Lys860Thr (NM_001282394.3); short protein forms K860T.
Identifiers: ClinVar variation 4201626 (VCV004201626.1).